The following is an entry in ClinVar:

NM_025161.6(FAAP100):c.1776C>T (p.Leu592=)

Gene: FAAP100 (FA core complex associated protein 100; minus strand). Cytogenetic location: 17q25.3.
Variant type: single nucleotide variant.
Coding change: c.1776C>T on transcript NM_025161.6 (MANE Select); coding-DNA position 1776, C replaced by T.
Protein change: p.Leu592=; no amino-acid change (leucine 592 retained).
Molecular consequence: synonymous variant. On other transcripts: non-coding transcript variant (1).
Genome position (GRCh38, 1-based): chr17:81,547,306, G>A on the plus strand (C>T on the coding strand, the complement: FAAP100 is on the minus strand). VCF-style: chr17-81547306-G-A. GRCh37 (hg19) VCF-style: chr17-79514332-G-A.
Identifiers: ClinVar variation 5040994 (VCV005040994.1).

ClinVar aggregate classification (germline): Likely benign (1 of 4 stars; one submission).

gnomAD v4.1: 1,146 of 1,612,160 alleles (0.071%); highest among the groups gnomAD compares: African/African-American, 0.19%; 8 homozygotes.

Submission:

CeGaT Center for Human Genetics Tuebingen
Classification: Likely benign. Last evaluated: 2026-09-01. Review status: criteria provided, single submitter. Criteria: CeGaT Center For Human Genetics Tuebingen Variant Classification Criteria Version 2. Collection method: clinical testing. Allele origin: germline. Affected: yes. Observed: 1 variant allele.
Comment: FAAP100: BP4, BP7